The following is an entry in ClinVar:

NM_001374736.1(DST):c.20997G>A (p.Leu6999=)

Gene: DST (dystonin; minus strand). Cytogenetic location: 6p12.1.
Variant type: single nucleotide variant.
Coding change: c.20997G>A on transcript NM_001374736.1 (MANE Select); coding-DNA position 20997, G replaced by A.
Protein change: p.Leu6999=; no amino-acid change (leucine 6999 retained).
Molecular consequence: synonymous variant.
Genome position (GRCh38, 1-based): chr6:56,487,154, C>T on the plus strand (G>A on the coding strand, the complement: DST is on the minus strand). VCF-style: chr6-56487154-C-T. GRCh37 (hg19) VCF-style: chr6-56351952-C-T.
Other names: p.Leu4376=; c.14640G>A, p.Leu4880= (NM_001144769.5); c.14226G>A, p.Leu4742= (NM_001144770.2); c.20997G>A, p.Leu6999= (NM_001374722.1); c.20037G>A, p.Leu6679= (NM_001374729.1); c.13779G>A, p.Leu4593= (NM_001374730.1); c.21024G>A, p.Leu7008= (NM_001374734.1); c.14106G>A, p.Leu4702= (NM_001386100.1, NM_183380.4); and 1 more.
Identifiers: ClinVar variation 522337 (VCV000522337.42), dbSNP rs187652380, ClinGen allele CA3866608.

ClinVar aggregate classification (germline): Benign/Likely benign. Review status: criteria provided, multiple submitters, no conflicts (2 of 4 stars). 7 submissions from 7 submitters: Benign (4); Likely benign (2). 1 of the submissions does not count toward it. Last evaluated 2026-08-01.

Conditions:
Hereditary sensory and autonomic neuropathy type 6. Also called: HSAN VI; Neuropathy, hereditary sensory and autonomic, type VI. Identifiers: Orphanet 314381, MedGen C3539003, MONDO:0013839, OMIM 614653.
Inborn genetic diseases. Identifiers: MedGen C0950123, MeSH D030342.
Epidermolysis bullosa simplex 3, localized or generalized intermediate, with BP230 deficiency (EBS3). Also called: Epidermolysis bullosa simplex, autosomal recessive 2; Epidermolysis bullosa simplex due to BP230 deficiency. Identifiers: Orphanet 412181, MedGen C3809470, MONDO:0014180, OMIM 615425.

Allele frequency attached by ClinVar (database versions not stated): 1000 Genomes Project 0.00260; gnomAD 0.00781 and 0.00760; gnomAD exomes 0.00739; ExAC 0.00756; ESP Exome Variant Server 0.00866; 1000 Genomes Project 30x 0.00234; TOPMed 0.00799.
gnomAD v4.1: 18,352 of 1,613,914 alleles (1.1%); highest among the groups gnomAD compares: Non-Finnish European, 1.4%; 154 homozygotes.

Submissions (7):

CeGaT Center for Human Genetics Tuebingen
Classification: Benign. Last evaluated: 2026-08-01. Review status: criteria provided, single submitter. Criteria: CeGaT Center For Human Genetics Tuebingen Variant Classification Criteria Version 2. Collection method: clinical testing. Allele origin: germline. Affected: yes. Observed: 38 variant alleles.
Comment: DST: BP4, BP7, BS1, BS2

Labcorp Genetics (formerly Invitae), Labcorp
Classification: Benign for Epidermolysis bullosa simplex 3, localized or generalized intermediate, with BP230 deficiency; Hereditary sensory and autonomic neuropathy type 6. Last evaluated: 2026-02-01. Review status: criteria provided, single submitter. Criteria: Invitae Variant Classification Sherloc (09022015). Collection method: clinical testing. Allele origin: germline.

Mayo Clinic Laboratories, Mayo Clinic
Classification: Benign. Last evaluated: 2021-08-05. Review status: criteria provided, single submitter. Criteria: ACMG Guidelines, 2015. Collection method: clinical testing. Allele origin: germline. Observed: 64 variant alleles.

GeneDx
Classification: Likely benign. Last evaluated: 2021-05-20. Review status: criteria provided, single submitter. Criteria: GeneDx Variant Classification Process June 2021. Collection method: clinical testing. Allele origin: germline. Affected: yes.

Ambry Genetics
Classification: Likely benign for Inborn genetic diseases. Last evaluated: 2019-07-11. Review status: criteria provided, single submitter. Criteria: Ambry Variant Classification Scheme 2023. Collection method: clinical testing. Allele origin: germline.

Clinical Genetics DNA and cytogenetics Diagnostics Lab, Erasmus MC, Erasmus Medical Center
Classification: Benign for Hereditary sensory and autonomic neuropathy type 6. Last evaluated: 2017-06-28. Review status: criteria provided, single submitter. Criteria: ACGS Guidelines, 2013. Collection method: clinical testing. Allele origin: germline. Affected: yes. Study: VKGL Data-share Consensus.

Clinical Genetics, Academic Medical Center
Classification: Benign. Review status: no assertion criteria provided. Collection method: clinical testing. Allele origin: germline. Affected: yes. Study: VKGL Data-share Consensus. Not counted in ClinVar's aggregate classification.